The following is an entry in ClinVar:

ClinVar aggregate classification (germline): Uncertain significance. Review status: criteria provided, multiple submitters, no conflicts (2 of 4 stars). 2 submissions from 2 submitters: Uncertain significance (2). Last evaluated 2022-08-26.

Conditions:
Familial acute necrotizing encephalopathy (IIAE3). Also called: ENCEPHALOPATHY, ACUTE, INFECTION-INDUCED, SUSCEPTIBILITY TO, 3; Susceptibility to Acute Necrotizing Encephalopathy 1. Identifiers: Orphanet 88619, MedGen C2675556, MONDO:0011953, OMIM 608033.

Allele frequency attached by ClinVar (database versions not stated): ExAC 0.00001; gnomAD 0.00001; gnomAD exomes 0.00002; TOPMed 0.00003.
gnomAD v4.1: 11 of 1,613,804 alleles (0.00068%); highest among the groups gnomAD compares: Admixed American, 0.017%; no homozygotes.

Submissions (2):

Ambry Genetics
Classification: Uncertain significance. Last evaluated: 2022-08-26. Review status: criteria provided, single submitter. Criteria: Ambry Variant Classification Scheme 2023. Collection method: clinical testing. Allele origin: germline.

Labcorp Genetics (formerly Invitae), Labcorp
Classification: Uncertain significance for Familial acute necrotizing encephalopathy. Last evaluated: 2022-07-26. Review status: criteria provided, single submitter. Criteria: Invitae Variant Classification Sherloc (09022015). Collection method: clinical testing. Allele origin: germline.
Comment: Algorithms developed to predict the effect of missense changes on protein structure and function are either unavailable or do not agree on the potential impact of this missense change (SIFT: "Deleterious"; PolyPhen-2: "Benign"; Align-GVGD: "Class C25"). In summary, the available evidence is currently insufficient to determine the role of this variant in disease. Therefore, it has been classified as a Variant of Uncertain Significance. ClinVar contains an entry for this variant (Variation ID: 861725). This variant has not been reported in the literature in individuals affected with RANBP2-related conditions. This variant is present in population databases (rs771199260, gnomAD 0.02%). This sequence change replaces serine, which is neutral and polar, with arginine, which is basic and polar, at codon 1128 of the RANBP2 protein (p.Ser1128Arg).

NM_006267.5(RANBP2):c.3384T>G (p.Ser1128Arg)

Gene: RANBP2 (RAN binding protein 2; plus strand). Cytogenetic location: 2q13.
Variant type: single nucleotide variant.
Coding change: c.3384T>G on transcript NM_006267.5 (MANE Select); coding-DNA position 3384, T replaced by G.
Protein change: p.Ser1128Arg; replaces serine 1128 with arginine.
Molecular consequence: missense variant.
Genome position (GRCh38, 1-based): chr2:108,763,923, T>G. VCF-style: chr2-108763923-T-G. GRCh37 (hg19) VCF-style: chr2-109380379-T-G.
Other names: short protein forms S1128R.
Identifiers: ClinVar variation 861725 (VCV000861725.11), dbSNP rs771199260, ClinGen allele CA1822936.